The following is an entry in ClinVar:

NM_001184.4(ATR):c.7220G>A (p.Arg2407His)

Gene: ATR (ATR checkpoint kinase; minus strand). Cytogenetic location: 3q23.
Variant type: single nucleotide variant.
Coding change: c.7220G>A on transcript NM_001184.4 (MANE Select); coding-DNA position 7220, G replaced by A.
Protein change: p.Arg2407His; replaces arginine 2407 with histidine.
Molecular consequence: missense variant.
Genome position (GRCh38, 1-based): chr3:142,459,356, C>T on the plus strand (G>A on the coding strand, the complement: ATR is on the minus strand). VCF-style: chr3-142459356-C-T. GRCh37 (hg19) VCF-style: chr3-142178198-C-T.
Other names: c.7028G>A, p.Arg2343His (NM_001354579.2); short protein forms R2407H, R2343H.
Identifiers: ClinVar variation 224560 (VCV000224560.14), dbSNP rs778835776, ClinGen allele CA351218.

ClinVar aggregate classification (germline): Uncertain significance. Review status: criteria provided, multiple submitters, no conflicts (2 of 4 stars). 4 submissions from 3 submitters: Uncertain significance (4). Last evaluated 2025-04-28.

Conditions:
Seckel syndrome 1 (SCKL1). Also called: MICROCEPHALIC PRIMORDIAL DWARFISM I. Identifiers: Orphanet 808, MedGen C4551474, MONDO:0008869, OMIM 210600.
Familial cutaneous telangiectasia and oropharyngeal predisposition cancer syndrome. Identifiers: Orphanet 313846, MedGen C3281203, MONDO:0013806, OMIM 614564.
Hereditary cancer-predisposing syndrome. Also called: Tumor predisposition; Hereditary neoplastic syndrome; Neoplastic Syndromes, Hereditary; Hereditary Cancer Syndrome. Identifiers: Orphanet 140162, MedGen C0027672, MeSH D009386, MONDO:0015356.

Allele frequency attached by ClinVar (database versions not stated): gnomAD 0.00001; gnomAD exomes 0.00001 and 0.00002; TOPMed 0.00001; ExAC 0.00002.
gnomAD v4.1: 9 of 1,613,746 alleles (0.00056%); highest among the groups gnomAD compares: East Asian, 0.0022%; no homozygotes.

Submissions (4):

Labcorp Genetics (formerly Invitae), Labcorp
Classification: Uncertain significance. Last evaluated: 2025-04-28. Review status: criteria provided, single submitter. Criteria: Invitae Variant Classification Sherloc (09022015). Collection method: clinical testing. Allele origin: germline.
Comment: This sequence change replaces arginine, which is basic and polar, with histidine, which is basic and polar, at codon 2407 of the ATR protein (p.Arg2407His). This variant is present in population databases (rs778835776, gnomAD 0.003%). This missense change has been observed in individual(s) with breast cancer (PMID: 26845104). ClinVar contains an entry for this variant (Variation ID: 224560). An algorithm developed to predict the effect of missense changes on protein structure and function (PolyPhen-2) suggests that this variant is likely to be disruptive. In summary, the available evidence is currently insufficient to determine the role of this variant in disease. Therefore, it has been classified as a Variant of Uncertain Significance.

Genome-Nilou Lab
Classification: Uncertain significance for Seckel syndrome 1. Last evaluated: 2023-02-08. Review status: criteria provided, single submitter. Criteria: ACMG Guidelines, 2015. Collection method: clinical testing. Allele origin: germline.

Genome-Nilou Lab
Classification: Uncertain significance for Familial cutaneous telangiectasia and oropharyngeal predisposition cancer syndrome. Last evaluated: 2023-02-08. Review status: criteria provided, single submitter. Criteria: ACMG Guidelines, 2015. Collection method: clinical testing. Allele origin: germline.

University of Washington Department of Laboratory Medicine, University of Washington
Classification: Uncertain significance for Hereditary cancer-predisposing syndrome. Last evaluated: 2015-11-20. Review status: criteria provided, single submitter. Criteria: Shirts et al. (Genet Med 2016). Collection method: clinical testing. Allele origin: germline. Affected: yes. Observed: 1 variant allele.

Literature cited by the submitters: PubMed 26845104 (cited by Labcorp Genetics (formerly Invitae), Labcorp).